The following is an entry in ClinVar:

NM_018263.6(ASXL2):c.493G>T (p.Ala165Ser)

Gene: ASXL2 (ASXL transcriptional regulator 2; minus strand). Cytogenetic location: 2p23.3.
Variant type: single nucleotide variant.
Coding change: c.493G>T on transcript NM_018263.6 (MANE Select); coding-DNA position 493, G replaced by T.
Protein change: p.Ala165Ser; replaces alanine 165 with serine.
Molecular consequence: missense variant. On other transcripts: 5 prime UTR variant (1).
Genome position (GRCh38, 1-based): chr2:25,771,451, C>A on the plus strand (G>T on the coding strand, the complement: ASXL2 is on the minus strand). VCF-style: chr2-25771451-C-A. GRCh37 (hg19) VCF-style: chr2-25994320-C-A.
Other names: c.319G>T, p.Ala107Ser (NM_001369346.1); c.-288G>T (NM_001369347.1); short protein forms A107S, A165S.
Identifiers: ClinVar variation 3359871 (VCV003359871.1).

ClinVar aggregate classification (germline): Uncertain significance (1 of 4 stars; one submission).

Submission:

GeneDx
Classification: Uncertain significance. Last evaluated: 2023-06-14. Review status: criteria provided, single submitter. Criteria: GeneDx Variant Classification Process June 2021. Collection method: clinical testing. Allele origin: germline. Affected: yes.
Comment: Not observed at significant frequency in large population cohorts (gnomAD); In silico analysis supports that this missense variant does not alter protein structure/function; Has not been previously published as pathogenic or benign to our knowledge